The following is an entry in ClinVar:

NM_001023570.4(IQCB1):c.1280C>A (p.Ala427Glu)

Gene: IQCB1 (IQ motif containing B1; minus strand). Cytogenetic location: 3q13.33.
Variant type: single nucleotide variant.
Coding change: c.1280C>A on transcript NM_001023570.4 (MANE Select); coding-DNA position 1280, C replaced by A.
Protein change: p.Ala427Glu; replaces alanine 427 with glutamic acid.
Molecular consequence: missense variant. On other transcripts: non-coding transcript variant (1).
Genome position (GRCh38, 1-based): chr3:121,781,873, G>T on the plus strand (C>A on the coding strand, the complement: IQCB1 is on the minus strand). VCF-style: chr3-121781873-G-T. GRCh37 (hg19) VCF-style: chr3-121500720-G-T.
Other names: c.881C>A, p.Ala294Glu (NM_001023571.4); c.1280C>A, p.Ala427Glu (NM_001319107.2); short protein forms A294E, A427E.
Identifiers: ClinVar variation 1040348 (VCV001040348.3), dbSNP rs138646990, ClinGen allele CA2567137.
Genomic context (GRCh38, chr3:121,781,873, plus strand): 5'-AGTCCTCGCCAAGGAGCAAATAGTTTCTTTTTCTTACGGCACTTCGCTAGGAATTTAAGC[G>T]CCTGGAAGAAAAAAAATTGAAGGTTTGTGATTTTTCTCCCCTAACTAATAGAACTATTTT-3'
Protein context (NP_001018864.2, residues 417-437): YKAAVTLQRA[Ala427Glu]LKFLAKCRKK

ClinVar aggregate classification (germline): Uncertain significance. Review status: criteria provided, multiple submitters, no conflicts (2 of 4 stars). 2 submissions from 2 submitters: Uncertain significance (2). Last evaluated 2024-06-18.

Conditions:
Nephronophthisis. Also called: Juvenile Nephronophthisis. Identifiers: Orphanet 655, MedGen C0687120, MONDO:0019005, HP:0000090.
Senior-Loken syndrome 5 (SLSN5). Identifiers: Orphanet 3156, MedGen C1836517, MONDO:0012225, OMIM 609254.

Allele frequency attached by ClinVar (database versions not stated): TOPMed 0.00016; ESP Exome Variant Server 0.00023; 1000 Genomes Project 30x 0.00031; 1000 Genomes Project 0.00040.
gnomAD v4.1: 67 of 1,612,514 alleles (0.0042%); highest among the groups gnomAD compares: African/African-American, 0.065%; no homozygotes.

Submissions (2):

Fulgent Genetics
Classification: Uncertain significance for Senior-Loken syndrome 5. Last evaluated: 2024-06-18. Review status: criteria provided, single submitter. Criteria: ACMG Guidelines, 2015. Collection method: clinical testing. Allele origin: germline.

Labcorp Genetics (formerly Invitae), Labcorp
Classification: Uncertain significance for Nephronophthisis. Last evaluated: 2022-11-01. Review status: criteria provided, single submitter. Criteria: Invitae Variant Classification Sherloc (09022015). Collection method: clinical testing. Allele origin: germline.
Comment: This sequence change replaces alanine, which is neutral and non-polar, with glutamic acid, which is acidic and polar, at codon 427 of the IQCB1 protein (p.Ala427Glu). This variant is present in population databases (rs138646990, gnomAD 0.08%). This variant has not been reported in the literature in individuals affected with IQCB1-related conditions. ClinVar contains an entry for this variant (Variation ID: 1040348). Algorithms developed to predict the effect of missense changes on protein structure and function are either unavailable or do not agree on the potential impact of this missense change (SIFT: "Deleterious"; PolyPhen-2: "Benign"; Align-GVGD: "Class C0"). In summary, the available evidence is currently insufficient to determine the role of this variant in disease. Therefore, it has been classified as a Variant of Uncertain Significance.